The following is an entry in ClinVar:

NM_000138.5(FBN1):c.5746T>C (p.Cys1916Arg)

Gene: FBN1 (fibrillin 1; minus strand). Cytogenetic location: 15q21.1.
Variant type: single nucleotide variant.
Coding change: c.5746T>C on transcript NM_000138.5 (MANE Select); coding-DNA position 5746, T replaced by C.
Protein change: p.Cys1916Arg; replaces cysteine 1916 with arginine.
Molecular consequence: missense variant.
Genome position (GRCh38, 1-based): chr15:48,446,748, A>G on the plus strand (T>C on the coding strand, the complement: FBN1 is on the minus strand). VCF-style: chr15-48446748-A-G. GRCh37 (hg19) VCF-style: chr15-48738945-A-G.
Other names: p.C1916R:TGC>CGC; short protein forms C1916R.
Identifiers: ClinVar variation 200067 (VCV000200067.4), dbSNP rs794728238, ClinGen allele CA016016.

ClinVar aggregate classification (germline): Conflicting classifications of pathogenicity. Review status: criteria provided, conflicting classifications (1 of 4 stars). 3 submissions from 3 submitters: Pathogenic (1); Likely pathogenic (1); Uncertain significance (1). Last evaluated 2026-03-17.

Conditions:
FBN1-related disorder. Also called: FBN1-related disorders.

Submissions (3):

Women's Health and Genetics/Laboratory Corporation of America, LabCorp
Classification: Uncertain significance. Last evaluated: 2026-03-17. Review status: criteria provided, single submitter. Criteria: LabCorp Variant Classification Summary - May 2015. Collection method: clinical testing. Allele origin: germline.
Comment: Variant summary: FBN1 c.5746T>C (p.Cys1916Arg) results in a non-conservative amino acid change in the encoded protein sequence. Algorithms developed to predict the effect of missense changes on protein structure and function all suggest that this variant is likely to be disruptive. The variant was absent in 251070 control chromosomes. To our knowledge, no occurrence of c.5746T>C in individuals affected with FBN1-related conditions and no experimental evidence demonstrating its impact on protein function have been reported. Multiple variants located at the same codon (c.5747G>T, p.Cys1916Phe; c.5747G>A, p.Cys1916Tyr) have been classified as Pathogenic/Likely Pathogenic, supporting a critical relevance of this residue to FBN1 protein function. ClinVar contains an entry for this variant (Variation ID: 200067). Missense mutations affecting or creating cysteine residues are listed among the criteria for a causal FBN1 mutation when identified as de novo (with proven paternity) in the revised Ghent criteria for the diagnosis of Marfan and related conditions (Loeys 2010). Based on the evidence outlined above, the variant was classified as VUS-possibly pathogenic.

Blueprint Genetics
Classification: Likely pathogenic for FBN1-related disorders. Last evaluated: 2019-06-14. Review status: criteria provided, single submitter. Criteria: ACMG Guidelines, 2015. Collection method: clinical testing. Allele origin: germline. Affected: yes. Observed: 1 variant allele.

GeneDx
Classification: Pathogenic. Last evaluated: 2014-02-09. Review status: criteria provided, single submitter. Criteria: GeneDx Variant Classification (06012015). Collection method: clinical testing. Allele origin: germline. Affected: yes.
Comment: p.Cys1916Arg (TGC>CGC): c.5746 T>C in exon 47 of the FBN1 gene (NM_000138.4)The C1916R mutation in the FBN1 gene has not been published as a mutation, nor as a benign polymorphism to our knowledge. C1916R results in a non-conservative amino acid substitution resulting in a loss of Cysteine residue, which may impact disulfide bonding, at a position that is conserved across species. Other missense mutations in this residue (C1916S) and in nearby residues (G1910V, R1915S, G1919D, G1919V, N1926D) have been reported n association with Marfan syndrome, further supporting the functional importance of this region of the protein. Furthermore, the C1916R mutation was not observed inapproximately 6,500 individuals of European and African American ancestry in the NHLBI Exome Sequencing Project, indicating it is not a common benign variant in these populations. In silico analysis predicts C1916R is possibly damaging to the protein structure/function. In summary, C1916R in the FBN1 gene is interpreted as a disease-causing mutation. The variant is found in TAAD panel(s).